The following is an entry in ClinVar:

ClinVar aggregate classification (germline): Uncertain significance (1 of 4 stars; one submission).

Submission:

Labcorp Genetics (formerly Invitae), Labcorp
Classification: Uncertain significance. Last evaluated: 2022-08-22. Review status: criteria provided, single submitter. Criteria: Invitae Variant Classification Sherloc (09022015). Collection method: clinical testing. Allele origin: germline.
Comment: In summary, the available evidence is currently insufficient to determine the role of this variant in disease. Therefore, it has been classified as a Variant of Uncertain Significance. Algorithms developed to predict the effect of missense changes on protein structure and function are either unavailable or do not agree on the potential impact of this missense change (SIFT: "Tolerated"; PolyPhen-2: "Probably Damaging"; Align-GVGD: "Class C0"). This variant has not been reported in the literature in individuals affected with ROM1-related conditions. This variant is not present in population databases (gnomAD no frequency). This sequence change replaces glycine, which is neutral and non-polar, with cysteine, which is neutral and slightly polar, at codon 110 of the ROM1 protein (p.Gly110Cys).

NM_000327.4(ROM1):c.328G>T (p.Gly110Cys)

Gene: ROM1 (retinal outer segment membrane protein 1; plus strand). Cytogenetic location: 11q12.3.
Variant type: single nucleotide variant.
Coding change: c.328G>T on transcript NM_000327.4 (MANE Select); coding-DNA position 328, G replaced by T.
Protein change: p.Gly110Cys; replaces glycine 110 with cysteine.
Molecular consequence: missense variant.
Genome position (GRCh38, 1-based): chr11:62,613,609, G>T. VCF-style: chr11-62613609-G-T. GRCh37 (hg19) VCF-style: chr11-62381081-G-T.
Other names: short protein forms G110C.
Identifiers: ClinVar variation 2102407 (VCV002102407.4), dbSNP rs2496221933, ClinGen allele CA380969370.
Genomic context (GRCh38, chr11:62,613,609, plus strand): 5'-GCAGCTCTATACCCTCCCTGGCGAGGGGTCCTGGGCCCGCTGCTGGTGGCTGGCACGGCT[G>T]GTGGGGGGGGGCTCCTGGTCGTCGGCCTCGGGCTAGCCCTGGCTTTGCCTGGGAGTCTGG-3'
Protein context (NP_000318.2, residues 100-120): LGPLLVAGTA[Gly110Cys]GGGLLVVGLG